The following is an entry in ClinVar:

NM_032043.3(BRIP1):c.-31+13del

Gene: BRIP1 (BRCA1 interacting helicase 1; minus strand). Cytogenetic location: 17q23.2.
Variant type: Deletion.
Coding change: c.-31+13del on transcript NM_032043.3 (MANE Select); 13 bases into the intron after 31 bases upstream of the start codon, one base deleted (G; older notation c.-31+13delG).
Molecular consequence: intron variant.
Genome position (GRCh38, 1-based): chr17:61,863,271, C deleted on the plus strand (G on the coding strand, the reverse complement: BRIP1 is on the minus strand); the first of 3 consecutive C bases (chr17:61,863,271-61,863,273); deleting any one gives the same sequence. VCF-style (leftmost placement, unchanged base first): chr17-61863270-TC-T. GRCh37 (hg19) VCF-style: chr17-59940631-TC-T.
Other names: c.-31+13delG (NM_032043.2).
Identifiers: ClinVar variation 422579 (VCV000422579.3), dbSNP rs1064795872, ClinGen allele CA16620551.
Genomic context (GRCh38, chr17:61,863,270, plus strand): 5'-CCAGTCACCACCCATGGGCCCGCAGGCTGTGCAGAAGAACTCAAGCCCTTTCCGTGGACT[TC>T]CCTCCGACTTGCCTGTCTGGAGGGAAACCGAAGCAACGCTCTGAGCTCCGATTCACTGAA-3'

ClinVar aggregate classification (germline): Uncertain significance (1 of 4 stars; one submission).

Submission:

GeneDx
Classification: Uncertain significance. Last evaluated: 2019-09-16. Review status: criteria provided, single submitter. Criteria: GeneDx Variant Classification Process June 2021. Collection method: clinical testing. Allele origin: germline. Affected: yes.
Comment: No data available from control populations to assess the frequency of this variant; In-silico analysis, which includes splice predictors and evolutionary conservation, is inconclusive as to whether the variant alters gene splicing. In the absence of RNA/functional studies, the actual effect of this sequence change is unknown.